The following is an entry in ClinVar:

NM_004787.4(SLIT2):c.242T>A (p.Leu81Gln)

Gene: SLIT2 (slit guidance ligand 2; plus strand). Cytogenetic location: 4p15.31.
Variant type: single nucleotide variant.
Coding change: c.242T>A on transcript NM_004787.4 (MANE Select); coding-DNA position 242, T replaced by A.
Protein change: p.Leu81Gln; replaces leucine 81 with glutamine.
Molecular consequence: missense variant.
Genome position (GRCh38, 1-based): chr4:20,256,734, T>A. VCF-style: chr4-20256734-T-A. GRCh37 (hg19) VCF-style: chr4-20258357-T-A.
Other names: c.242T>A, p.Leu81Gln (NM_001289135.3, NM_001289136.3); short protein forms L81Q.
Identifiers: ClinVar variation 2412958 (VCV002412958.3), dbSNP rs2474601548, ClinGen allele CA356506547.

ClinVar aggregate classification (germline): Uncertain significance (1 of 4 stars; one submission).

Submission:

GeneDx
Classification: Uncertain significance. Last evaluated: 2022-07-28. Review status: criteria provided, single submitter. Criteria: GeneDx Variant Classification Process June 2021. Collection method: clinical testing. Allele origin: germline. Affected: yes.
Comment: Not observed at significant frequency in large population cohorts (gnomAD); In silico analysis supports that this missense variant has a deleterious effect on protein structure/function; Has not been previously published as pathogenic or benign to our knowledge